The following is an entry in ClinVar:

ClinVar aggregate classification (germline): Uncertain significance. Review status: criteria provided, multiple submitters, no conflicts (2 of 4 stars). 2 submissions from 2 submitters: Uncertain significance (2). Last evaluated 2025-10-01.

Conditions:
Brugada syndrome 8 (BRGDA8). Identifiers: Orphanet 130, MedGen C2751083, MONDO:0013148, OMIM 613123.
Cardiovascular phenotype. Identifiers: MedGen CN230736.

gnomAD v4.1: 1 of 1,601,620 alleles (0.000062%); highest among the groups gnomAD compares: Non-Finnish European, 0.000085%; no homozygotes.

Submissions (2):

Labcorp Genetics (formerly Invitae), Labcorp
Classification: Uncertain significance for Brugada syndrome 8. Last evaluated: 2025-10-01. Review status: criteria provided, single submitter. Criteria: Invitae Variant Classification Sherloc (09022015). Collection method: clinical testing. Allele origin: germline.
Comment: This sequence change replaces histidine, which is basic and polar, with tyrosine, which is neutral and polar, at codon 858 of the HCN4 protein (p.His858Tyr). This variant is not present in population databases (gnomAD no frequency). This variant has not been reported in the literature in individuals affected with HCN4-related conditions. ClinVar contains an entry for this variant (Variation ID: 3283661). Invitae Evidence Modeling of protein sequence and biophysical properties (such as structural, functional, and spatial information, amino acid conservation, physicochemical variation, residue mobility, and thermodynamic stability) indicates that this missense variant is not expected to disrupt HCN4 protein function with a negative predictive value of 95%. In summary, the available evidence is currently insufficient to determine the role of this variant in disease. Therefore, it has been classified as a Variant of Uncertain Significance.

Ambry Genetics
Classification: Uncertain significance for Cardiovascular phenotype. Last evaluated: 2024-05-11. Review status: criteria provided, single submitter. Criteria: Ambry Variant Classification Scheme 2023. Collection method: clinical testing. Allele origin: germline.
Comment: The p.H858Y variant (also known as c.2572C>T), located in coding exon 8 of the HCN4 gene, results from a C to T substitution at nucleotide position 2572. The histidine at codon 858 is replaced by tyrosine, an amino acid with similar properties. This amino acid position is conserved. In addition, this alteration is predicted to be tolerated by in silico analysis. Based on the available evidence, the clinical significance of this variant remains unclear.

NM_005477.3(HCN4):c.2572C>T (p.His858Tyr)

Gene: HCN4 (hyperpolarization activated cyclic nucleotide gated potassium channel 4; minus strand). Cytogenetic location: 15q24.1.
Variant type: single nucleotide variant.
Coding change: c.2572C>T on transcript NM_005477.3 (MANE Select); coding-DNA position 2572, C replaced by T.
Protein change: p.His858Tyr; replaces histidine 858 with tyrosine.
Molecular consequence: missense variant.
Genome position (GRCh38, 1-based): chr15:73,323,521, G>A on the plus strand (C>T on the coding strand, the complement: HCN4 is on the minus strand). VCF-style: chr15-73323521-G-A. GRCh37 (hg19) VCF-style: chr15-73615862-G-A.
Other names: short protein forms H858Y.
Identifiers: ClinVar variation 3283661 (VCV003283661.3).